The following is an entry in ClinVar:

NM_015346.4(ZFYVE26):c.6479A>T (p.Tyr2160Phe)

Gene: ZFYVE26 (zinc finger FYVE-type containing 26; minus strand). Cytogenetic location: 14q24.1.
Variant type: single nucleotide variant.
Coding change: c.6479A>T on transcript NM_015346.4 (MANE Select); coding-DNA position 6479, A replaced by T.
Protein change: p.Tyr2160Phe; replaces tyrosine 2160 with phenylalanine.
Molecular consequence: missense variant.
Genome position (GRCh38, 1-based): chr14:67,761,475, T>A on the plus strand (A>T on the coding strand, the complement: ZFYVE26 is on the minus strand). VCF-style: chr14-67761475-T-A. GRCh37 (hg19) VCF-style: chr14-68228192-T-A.
Other names: short protein forms Y2160F.
Identifiers: ClinVar variation 1807038 (VCV001807038.3), dbSNP rs752079967, ClinGen allele CA7239216.

ClinVar aggregate classification (germline): Uncertain significance. Review status: criteria provided, multiple submitters, no conflicts (2 of 4 stars). 2 submissions from 2 submitters: Uncertain significance (2). Last evaluated 2022-08-17.

Conditions:
Spastic paraplegia. Identifiers: MedGen C0037772, HP:0001258.

Allele frequency attached by ClinVar (database versions not stated): gnomAD 0.00001; ExAC 0.00002; TOPMed 0.00002; gnomAD exomes 0.00003.

Submissions (2):

Labcorp Genetics (formerly Invitae), Labcorp
Classification: Uncertain significance for Spastic paraplegia. Last evaluated: 2022-08-17. Review status: criteria provided, single submitter. Criteria: Invitae Variant Classification Sherloc (09022015). Collection method: clinical testing. Allele origin: germline.
Comment: This sequence change replaces tyrosine, which is neutral and polar, with phenylalanine, which is neutral and non-polar, at codon 2160 of the ZFYVE26 protein (p.Tyr2160Phe). This variant is present in population databases (rs752079967, gnomAD 0.006%). This variant has not been reported in the literature in individuals affected with ZFYVE26-related conditions. Algorithms developed to predict the effect of missense changes on protein structure and function are either unavailable or do not agree on the potential impact of this missense change (SIFT: "Tolerated"; PolyPhen-2: "Possibly Damaging"; Align-GVGD: "Class C0"). In summary, the available evidence is currently insufficient to determine the role of this variant in disease. Therefore, it has been classified as a Variant of Uncertain Significance.

Athena Diagnostics
Classification: Uncertain significance. Last evaluated: 2022-04-11. Review status: criteria provided, single submitter. Criteria: Athena Diagnostics Criteria. Collection method: clinical testing. Allele origin: unknown.